The following is an entry in ClinVar:

NM_001042646.3(TRAK1):c.2348C>G (p.Pro783Arg)

Gene: TRAK1 (trafficking kinesin protein 1; plus strand). Cytogenetic location: 3p22.1.
Variant type: single nucleotide variant.
Coding change: c.2348C>G on transcript NM_001042646.3 (MANE Select); coding-DNA position 2348, C replaced by G.
Protein change: p.Pro783Arg; replaces proline 783 with arginine.
Molecular consequence: missense variant. On other transcripts: 3 prime UTR variant (1), non-coding transcript variant (1).
Genome position (GRCh38, 1-based): chr3:42,223,223, C>G. VCF-style: chr3-42223223-C-G. GRCh37 (hg19) VCF-style: chr3-42264715-C-G.
Other names: c.1973C>G, p.Pro658Arg (NM_001349245.1); c.2285C>G, p.Pro762Arg (NM_001349246.2); c.*302C>G (NM_001349247.2); c.2063C>G, p.Pro688Arg (NM_001349248.1); c.2126C>G, p.Pro709Arg (NM_001349249.1); short protein forms P658R, P688R, P762R, P709R, P783R.
Identifiers: ClinVar variation 775198 (VCV000775198.52), dbSNP rs143591096, ClinGen allele CA2333838.

ClinVar aggregate classification (germline): Benign/Likely benign. Review status: criteria provided, multiple submitters, no conflicts (2 of 4 stars). 6 submissions from 6 submitters: Benign (1); Likely benign (4). 1 of the submissions does not count toward it. Last evaluated 2026-08-01.

Conditions:
TRAK1-related disorder. Also called: TRAK1-related condition.

Allele frequency attached by ClinVar (database versions not stated): 1000 Genomes Project 30x 0.00141; 1000 Genomes Project 0.00160; TOPMed 0.00319; ESP Exome Variant Server 0.00321.
gnomAD v4.1: 7,291 of 1,614,198 alleles (0.45%); highest among the groups gnomAD compares: Middle Eastern, 0.99%; 19 homozygotes.

Submissions (6):

CeGaT Center for Human Genetics Tuebingen
Classification: Likely benign. Last evaluated: 2026-08-01. Review status: criteria provided, single submitter. Criteria: CeGaT Center For Human Genetics Tuebingen Variant Classification Criteria Version 2. Collection method: clinical testing. Allele origin: germline. Affected: yes. Observed: 24 variant alleles.
Comment: TRAK1: BS2

Labcorp Genetics (formerly Invitae), Labcorp
Classification: Benign. Last evaluated: 2026-01-15. Review status: criteria provided, single submitter. Criteria: Invitae Variant Classification Sherloc (09022015). Collection method: clinical testing. Allele origin: germline.

Genomic Medicine Center of Excellence, King Faisal Specialist Hospital and Research Centre
Classification: Likely benign. Last evaluated: 2025-08-18. Review status: criteria provided, single submitter. Criteria: ACMG Guidelines, 2015. Collection method: clinical testing. Allele origin: germline.

Blueprint Genetics
Classification: Likely benign. Last evaluated: 2024-11-26. Review status: criteria provided, single submitter. Criteria: ACMG Guidelines, 2015. Collection method: clinical testing. Allele origin: germline.

Breakthrough Genomics
Classification: Likely benign. Review status: criteria provided, single submitter. Criteria: ACMG Guidelines, 2015. Collection method: not provided. Allele origin: germline. Inheritance: Autosomal recessive inheritance. Affected: yes.

PreventionGenetics, part of Exact Sciences
Classification: Benign for TRAK1-related condition. Last evaluated: 2019-12-11. Review status: no assertion criteria provided. Collection method: clinical testing. Allele origin: germline. Not counted in ClinVar's aggregate classification.
Comment: This variant is classified as benign based on ACMG/AMP sequence variant interpretation guidelines (Richards et al. 2015 PMID: 25741868, with internal and published modifications).